The following is an entry in ClinVar:

ClinVar aggregate classification (germline): Uncertain significance (1 of 4 stars; one submission).

Allele frequency attached by ClinVar (database versions not stated): TOPMed 0.00002; gnomAD exomes 0.00003; ExAC 0.00005.

Submission:

Labcorp Genetics (formerly Invitae), Labcorp
Classification: Uncertain significance. Last evaluated: 2022-07-19. Review status: criteria provided, single submitter. Criteria: Invitae Variant Classification Sherloc (09022015). Collection method: clinical testing. Allele origin: germline.
Comment: In summary, the available evidence is currently insufficient to determine the role of this variant in disease. Therefore, it has been classified as a Variant of Uncertain Significance. Algorithms developed to predict the effect of missense changes on protein structure and function are either unavailable or do not agree on the potential impact of this missense change (SIFT: "Deleterious"; PolyPhen-2: "Benign"; Align-GVGD: "Class C15"). This variant has not been reported in the literature in individuals affected with AIMP1-related conditions. This variant is present in population databases (rs765922436, gnomAD 0.02%). This sequence change replaces arginine, which is basic and polar, with cysteine, which is neutral and slightly polar, at codon 154 of the AIMP1 protein (p.Arg154Cys).

NM_001142416.2(AIMP1):c.460C>T (p.Arg154Cys)

Gene: AIMP1 (aminoacyl tRNA synthetase complex interacting multifunctional protein 1; plus strand). Cytogenetic location: 4q24.
Variant type: single nucleotide variant.
Coding change: c.460C>T on transcript NM_001142416.2 (MANE Select); coding-DNA position 460, C replaced by T.
Protein change: p.Arg154Cys; replaces arginine 154 with cysteine.
Molecular consequence: missense variant.
Genome position (GRCh38, 1-based): chr4:106,331,740, C>T. VCF-style: chr4-106331740-C-T. GRCh37 (hg19) VCF-style: chr4-107252897-C-T.
Other names: c.460C>T, p.Arg154Cys (NM_001142415.2, NM_004757.4); short protein forms R154C.
Identifiers: ClinVar variation 1927973 (VCV001927973.5), dbSNP rs765922436, ClinGen allele CA3035736.